The following is an entry in ClinVar:

NM_017654.4(SAMD9):c.1813T>C (p.Cys605Arg)

Gene: SAMD9 (sterile alpha motif domain containing 9; minus strand). Cytogenetic location: 7q21.2.
Variant type: single nucleotide variant.
Coding change: c.1813T>C on transcript NM_017654.4 (MANE Select); coding-DNA position 1813, T replaced by C.
Protein change: p.Cys605Arg; replaces cysteine 605 with arginine.
Molecular consequence: missense variant.
Genome position (GRCh38, 1-based): chr7:93,104,285, A>G on the plus strand (T>C on the coding strand, the complement: SAMD9 is on the minus strand). VCF-style: chr7-93104285-A-G. GRCh37 (hg19) VCF-style: chr7-92733598-A-G.
Other names: c.1813T>C, p.Cys605Arg (NM_001193307.2); short protein forms C605R.
Identifiers: ClinVar variation 4708889 (VCV004708889.1).

ClinVar aggregate classification (germline): Uncertain significance (1 of 4 stars; one submission).

gnomAD v4.1: 3 of 1,613,476 alleles (0.00019%); highest among the groups gnomAD compares: South Asian, 0.0011%; no homozygotes.

Submission:

Labcorp Genetics (formerly Invitae), Labcorp
Classification: Uncertain significance. Last evaluated: 2025-11-18. Review status: criteria provided, single submitter. Criteria: Invitae Variant Classification Sherloc (09022015). Collection method: clinical testing. Allele origin: germline.
Comment: This sequence change replaces cysteine, which is neutral and slightly polar, with arginine, which is basic and polar, at codon 605 of the SAMD9 protein (p.Cys605Arg). This variant is present in population databases (no rsID available, gnomAD no frequency). This variant has not been reported in the literature in individuals affected with SAMD9-related conditions. Invitae Evidence Modeling of protein sequence and biophysical properties (such as structural, functional, and spatial information, amino acid conservation, physicochemical variation, residue mobility, and thermodynamic stability) has been performed for this missense variant. However, the output from this modeling did not meet the statistical confidence thresholds required to predict the impact of this variant on SAMD9 protein function. In summary, the available evidence is currently insufficient to determine the role of this variant in disease. Therefore, it has been classified as a Variant of Uncertain Significance.